The following is an entry in ClinVar:

NM_001364905.1(LRBA):c.6046+1895G>A

Gene: LRBA (LPS responsive beige-like anchor protein; minus strand). Cytogenetic location: 4q31.3.
Variant type: single nucleotide variant.
Coding change: c.6046+1895G>A on transcript NM_001364905.1 (MANE Select); 1895 bases into the intron after coding-DNA position 6046, G replaced by A.
Molecular consequence: intron variant. On other transcripts: missense variant (2).
Genome position (GRCh38, 1-based): chr4:150,597,112, C>T on the plus strand (G>A on the coding strand, the complement: LRBA is on the minus strand). VCF-style: chr4-150597112-C-T. GRCh37 (hg19) VCF-style: chr4-151518264-C-T.
Other names: c.6050G>A, p.Cys2017Tyr (NM_001440430.1, NM_006726.5); c.6046+1895G>A (NM_001367550.1, NM_001199282.3, NM_001440431.1); short protein forms C2017Y.
Identifiers: ClinVar variation 1467281 (VCV001467281.8), dbSNP rs745921696, ClinGen allele CA3102257.
Genomic context (GRCh38, chr4:150,597,112, plus strand): 5'-AAATTACTATAAAATATTACTCAATGCTTACCTTTGCTGTTCTCTCTCAATTTAAAAATG[C>T]ACACTAAAACATAGATAATTAACATTGGATTAACCTTTCAATTACTATCGAGAGTAATCA-3'

ClinVar aggregate classification (germline): Uncertain significance. Review status: criteria provided, multiple submitters, no conflicts (2 of 4 stars). 2 submissions from 2 submitters: Uncertain significance (2). Last evaluated 2024-08-01.

Conditions:
Combined immunodeficiency due to LRBA deficiency. Also called: Common variable immunodeficiency 8, with autoimmunity. Identifiers: Orphanet 445018, MedGen C3553512, MONDO:0013863, OMIM 614700.
Inborn genetic diseases. Identifiers: MedGen C0950123, MeSH D030342.

Allele frequency attached by ClinVar (database versions not stated): gnomAD 0.00001; gnomAD exomes 0.00001; ExAC 0.00001.
gnomAD v4.1: 14 of 1,391,660 alleles (0.001%); highest among the groups gnomAD compares: Non-Finnish European, 0.0014%; no homozygotes.

Submissions (2):

Ambry Genetics
Classification: Uncertain significance for Inborn genetic diseases. Last evaluated: 2024-08-01. Review status: criteria provided, single submitter. Criteria: Ambry Variant Classification Scheme 2023. Collection method: clinical testing. Allele origin: germline.

Labcorp Genetics (formerly Invitae), Labcorp
Classification: Uncertain significance for Combined immunodeficiency due to LRBA deficiency. Last evaluated: 2021-05-28. Review status: criteria provided, single submitter. Criteria: Invitae Variant Classification Sherloc (09022015). Collection method: clinical testing. Allele origin: germline.
Comment: In summary, the available evidence is currently insufficient to determine the role of this variant in disease. Therefore, it has been classified as a Variant of Uncertain Significance. Algorithms developed to predict the effect of missense changes on protein structure and function output the following: SIFT: "Tolerated"; PolyPhen-2: "Benign"; Align-GVGD: "Class C0". The tyrosine amino acid residue is found in multiple mammalian species, suggesting that this missense change does not adversely affect protein function. These predictions have not been confirmed by published functional studies and their clinical significance is uncertain. This variant has not been reported in the literature in individuals with LRBA-related conditions. This variant is present in population databases (rs745921696, ExAC 0.002%). This sequence change replaces cysteine with tyrosine at codon 2017 of the LRBA protein (p.Cys2017Tyr). The cysteine residue is weakly conserved and there is a large physicochemical difference between cysteine and tyrosine.